The following is an entry in ClinVar:

ClinVar aggregate classification (germline): Likely pathogenic (1 of 4 stars; one submission).

Conditions:
Familial hypokalemia-hypomagnesemia (GTLMNS). Also called: POTASSIUM AND MAGNESIUM DEPLETION; HYPOMAGNESEMIA-HYPOKALEMIA, PRIMARY RENOTUBULAR, WITH HYPOCALCIURIA; gitelman syndrome. Identifiers: Orphanet 358, MedGen C0268450, MONDO:0009904, OMIM 263800.

Submission:

Natera, Inc.
Classification: Likely pathogenic for Gitelman syndrome. Last evaluated: 2024-07-12. Review status: criteria provided, single submitter. Criteria: Natera Variant Classification Schema (03/2026). Collection method: clinical testing. Allele origin: germline.
Comment: The c.1192_1198dup variant in SLC12A3 is a frameshift variant predicted to shift the reading frame beginning at codon 400 and leads to a stop codon 3 codons downstream. This variant is expected to result in nonsense mediated decay, truncation, or a dysfunctional protein product. This variant is rare in the general population with a frequency below the threshold expected for the associated phenotype(s). Given the available evidence, this variant is classified as Likely Pathogenic.

NM_001126108.2(SLC12A3):c.1192_1198dup (p.Asp400delinsGlyAlaTer)

Gene: SLC12A3 (solute carrier family 12 member 3; plus strand). Cytogenetic location: 16q13.
Variant type: Duplication.
Coding change: c.1192_1198dup on transcript NM_001126108.2 (MANE Select); coding-DNA positions 1192 to 1198, 7 bases duplicated (GTGCGTG; older notation c.1192_1198dupGTGCGTG).
Protein change: p.Asp400delinsGlyAlaTer.
Molecular consequence: nonsense.
Genome position (GRCh38, 1-based): chr16:56,879,084-56,879,090, GTGCGTG duplicated; duplicating any 7 consecutive bases within chr16:56,879,078-56,879,090 gives the same sequence; the c. name uses the placement nearest the transcript's 3' end. VCF-style (leftmost placement, unchanged base first): chr16-56879077-C-CTGCGTGG. GRCh37 (hg19) VCF-style: chr16-56912989-C-CTGCGTGG.
Other names: c.1192_1198dup, p.Asp400delinsGlyAlaTer (NM_000339.3); c.1189_1195dup, p.Asp399delinsGlyAlaTer (NM_001126107.2, NM_001410896.1).
Identifiers: ClinVar variation 4818185 (VCV004818185.1).